The following is an entry in ClinVar:

ClinVar aggregate classification (germline): Uncertain significance (1 of 4 stars; one submission).

Submission:

Institute for Human Genetics, University Hospital Essen
Classification: Uncertain significance. Last evaluated: 2025-11-27. Review status: criteria provided, single submitter. Criteria: Submitter's publication. Collection method: clinical testing. Allele origin: inherited. Inheritance: Autosomal unknown. Affected: yes. Observed: 1 variant allele, 1 compound heterozygote.
Comment: PM1, PM2_supp, PM3 (criteria rationale detailed in Leitão et al. Nature Genetics 2026)

NR_199791.1(RNU2-2):n.105_116del

Genes: RNU2-2 (RNA, U2 small nuclear 2; minus strand), WDR74 (WD repeat domain 74; minus strand). Cytogenetic location: 11q12.3.
Variant type: Deletion.
Molecular consequence: non-coding transcript variant (on NR_199791.1). On other transcripts: 5 prime UTR variant (1).
Genome position: GRCh38 VCF-style: chr11-62841693-ATCTCCTATTTCC-A. GRCh37 (hg19) VCF-style: chr11-62609165-ATCTCCTATTTCC-A.
Other names: c.-434_-423del (NM_001369451.1).
Identifiers: ClinVar variation 4540506 (VCV004540506.1).